The following is an entry in ClinVar:

ClinVar aggregate classification (germline): Pathogenic (1 of 4 stars; one submission).

Conditions:
Duchenne muscular dystrophy (DMD). Also called: Duchenne Muscular Dystrophy (DMD); MUSCULAR DYSTROPHY, PSEUDOHYPERTROPHIC PROGRESSIVE, DUCHENNE TYPE. Identifiers: Orphanet 98896, MedGen C0013264, MONDO:0010679, OMIM 310200.

Submission:

Labcorp Genetics (formerly Invitae), Labcorp
Classification: Pathogenic for Duchenne muscular dystrophy. Last evaluated: 2019-05-23. Review status: criteria provided, single submitter. Criteria: Invitae Variant Classification Sherloc (09022015). Collection method: clinical testing. Allele origin: germline.
Comment: This variant is an out-of-frame deletion of the genomic region encompassing exons 46-55 of the DMD gene. This is expected to create a premature translational stop signal and result in an absent or disrupted protein product. This variant has been reported in several individuals affected with Duchenne muscular dystrophy (DMD) (PMID: 18752307, 25482253, 16030524, 9800909). Loss-of-function variants in DMD are known to be pathogenic (PMID: 16770791, 25007885). For these reasons, this variant has been classified as Pathogenic.

Literature cited by the submitters: PubMed 18752307; PubMed 9800909; PubMed 25482253; PubMed 16030524.

NC_000023.11:g.(?_31609621)_(31932237_?)del

Gene: DMD (dystrophin; minus strand). Cytogenetic location: Xp21.1.
Variant type: Deletion.
Identifiers: ClinVar variation 833176 (VCV000833176.1).